The following is an entry in ClinVar:

NM_000051.4(ATM):c.-30-2A>G

Gene: ATM (ATM serine/threonine kinase; plus strand). Cytogenetic location: 11q22.3.
Variant type: single nucleotide variant.
Coding change: c.-30-2A>G on transcript NM_000051.4 (MANE Select); the canonical splice acceptor site of the intron before 30 bases upstream of the start codon, A replaced by G.
Molecular consequence: splice acceptor variant.
Genome position (GRCh38, 1-based): chr11:108,227,593, A>G. VCF-style: chr11-108227593-A-G. GRCh37 (hg19) VCF-style: chr11-108098320-A-G.
Other names: c.-30-2A>G (NM_001351834.2, NM_001351835.2, NM_001351836.2).
Identifiers: ClinVar variation 4167793 (VCV004167793.1).

ClinVar aggregate classification (germline): Likely pathogenic (1 of 4 stars; one submission).

Conditions:
Hereditary cancer-predisposing syndrome. Also called: Neoplastic Syndromes, Hereditary; Tumor predisposition; Hereditary Cancer Syndrome; Hereditary neoplastic syndrome. Identifiers: Orphanet 140162, MedGen C0027672, MeSH D009386, MONDO:0015356.

Submission:

Ambry Genetics
Classification: Likely pathogenic for Hereditary cancer-predisposing syndrome. Last evaluated: 2025-09-12. Review status: criteria provided, single submitter. Criteria: Ambry Variant Classification Scheme 2023. Collection method: clinical testing. Allele origin: germline.
Comment: The c.-30-2A>G intronic variant results from an A to G substitution two nucleotides upstream from coding exon 1 of the ATM gene. This nucleotide position is well conserved in available vertebrate species. In silico splice site analysis predicts that this alteration will weaken the native splice acceptor site. RNA studies have demonstrated that this alteration results in abnormal splicing in the set of samples tested (Ambry internal data). This variant is considered to be rare based on population cohorts in the Genome Aggregation Database (gnomAD). Based on the majority of available evidence to date, this variant is likely to be pathogenic.